The following is an entry in ClinVar:

ClinVar aggregate classification (germline): Uncertain significance (0 of 4 stars; one submission).

Conditions:
DMD-related disorder. Also called: DMD-related condition.

Submission:

PreventionGenetics, part of Exact Sciences
Classification: Uncertain significance for DMD-related condition. Last evaluated: 2024-09-17. Review status: no assertion criteria provided. Collection method: clinical testing. Allele origin: germline.
Comment: The DMD c.9817_9819delAAG variant is predicted to result in an in-frame deletion (p.Lys3273del). To our knowledge, this variant has not been reported in the literature or in a large population database, indicating this variant is rare. At this time, the clinical significance of this variant is uncertain due to the absence of conclusive functional and genetic evidence.

NM_004006.3(DMD):c.9817_9819del (p.Lys3273del)

Gene: DMD (dystrophin; minus strand). Cytogenetic location: Xp21.2.
Variant type: Deletion.
Coding change: c.9817_9819del on transcript NM_004006.3 (MANE Select); coding-DNA positions 9817 to 9819, 3 bases deleted (AAG; older notation c.9817_9819delAAG).
Protein change: p.Lys3273del; deletes lysine 3273.
Molecular consequence: inframe deletion.
Genome position (GRCh38, 1-based): chrX:31,182,893-31,182,895, CTT deleted on the plus strand (AAG on the coding strand, the reverse complement: DMD is on the minus strand). VCF-style (leftmost placement, unchanged base first): chrX-31182892-GCTT-G. GRCh37 (hg19) VCF-style: chrX-31201009-GCTT-G.
Other names: c.9793_9795del, p.Lys3265del (NM_000109.4); c.9805_9807del, p.Lys3269del (NM_004009.3); c.9448_9450del, p.Lys3150del (NM_004010.3); c.5794_5796del, p.Lys1932del (NM_004011.4); c.5785_5787del, p.Lys1929del (NM_004012.4); c.2437_2439del, p.Lys813del (NM_004013.3, NM_004020.4, NM_004021.3 and 2 more transcripts); c.1630_1632del, p.Lys544del (NM_004014.3); c.613_615del, p.Lys205del (NM_004015.3, NM_004016.3, NM_004017.3 and 2 more transcripts); short protein forms K1929del, K1932del, K205del, K3150del, K3265del, K3269del, K3273del, K544del.
Identifiers: ClinVar variation 3346324 (VCV003346324.1).